The following is an entry in ClinVar:

NM_017534.6(MYH2):c.5449C>G (p.Gln1817Glu)

Genes: MYHAS (myosin heavy chain gene cluster antisense RNA; plus strand), MYH2 (myosin heavy chain 2; minus strand). Cytogenetic location: 17p13.1.
Variant type: single nucleotide variant.
Coding change: c.5449C>G on transcript NM_017534.6 (MANE Select); coding-DNA position 5449, C replaced by G.
Protein change: p.Gln1817Glu; replaces glutamine 1817 with glutamic acid.
Molecular consequence: missense variant.
Genome position (GRCh38, 1-based): chr17:10,523,519, G>C on the plus strand (C>G on the coding strand, the complement: MYH2 is on the minus strand). VCF-style: chr17-10523519-G-C. GRCh37 (hg19) VCF-style: chr17-10426836-G-C.
Other names: c.5449C>G, p.Gln1817Glu (NM_001100112.2); short protein forms Q1817E.
Identifiers: ClinVar variation 3609582 (VCV003609582.2).

ClinVar aggregate classification (germline): Uncertain significance (1 of 4 stars; one submission).

Conditions:
Myopathy, proximal, and ophthalmoplegia (CMYO6). Also called: INCLUSION BODY MYOPATHY 3, AUTOSOMAL DOMINANT; CONGENITAL MYOPATHY 6 WITH OPHTHALMOPLEGIA; MYOPATHY WITH CONGENITAL JOINT CONTRACTURES, OPHTHALMOPLEGIA, AND RIMMED VACUOLES. Identifiers: Orphanet 363677, Orphanet 79091, MedGen C1854106, MONDO:0011577, OMIM 605637.

Submission:

Labcorp Genetics (formerly Invitae), Labcorp
Classification: Uncertain significance for Myopathy, proximal, and ophthalmoplegia. Last evaluated: 2024-08-08. Review status: criteria provided, single submitter. Criteria: Invitae Variant Classification Sherloc (09022015). Collection method: clinical testing. Allele origin: germline.
Comment: This sequence change replaces glutamine, which is neutral and polar, with glutamic acid, which is acidic and polar, at codon 1817 of the MYH2 protein (p.Gln1817Glu). This variant is not present in population databases (gnomAD no frequency). This variant has not been reported in the literature in individuals affected with MYH2-related conditions. Advanced modeling of protein sequence and biophysical properties (such as structural, functional, and spatial information, amino acid conservation, physicochemical variation, residue mobility, and thermodynamic stability) performed at Invitae indicates that this missense variant is not expected to disrupt MYH2 protein function with a negative predictive value of 80%. In summary, the available evidence is currently insufficient to determine the role of this variant in disease. Therefore, it has been classified as a Variant of Uncertain Significance.